The following is an entry in ClinVar:

NM_001048174.2(MUTYH):c.442_451del (p.Gly148fs)

Gene: MUTYH (mutY DNA glycosylase; minus strand). Cytogenetic location: 1p34.1.
Variant type: Deletion.
Coding change: c.442_451del on transcript NM_001048174.2 (MANE Select); coding-DNA positions 442 to 451, 10 bases deleted (GGCCTGGGCT; older notation c.442_451delGGCCTGGGCT).
Protein change: p.Gly148fs; shifts the reading frame from glycine 148.
Molecular consequence: frameshift variant. On other transcripts: non-coding transcript variant (2).
Genome position (GRCh38, 1-based): chr1:45,332,804-45,332,813, AGCCCAGGCC deleted on the plus strand (GGCCTGGGCT on the coding strand, the reverse complement: MUTYH is on the minus strand); deleting any 10 consecutive bases within chr1:45,332,804-45,332,820 gives the same sequence; the c. name uses the placement nearest the transcript's 3' end. VCF-style (leftmost placement, unchanged base first): chr1-45332803-TAGCCCAGGCC-T. GRCh37 (hg19) VCF-style: chr1-45798475-TAGCCCAGGCC-T.
Other names: c.442_451del, p.Gly148fs (NM_001048171.2, NM_001048173.2, NM_001293195.2); c.445_454del, p.Gly149fs (NM_001048172.2); c.526_535del, p.Gly176fs (NM_001128425.2); c.487_496del, p.Gly163fs (NM_001293190.2); c.475_484del, p.Gly159fs (NM_001293191.2); c.166_175del, p.Gly56fs (NM_001293192.2, NM_001293196.2); c.97_106del, p.Gly33fs (NM_001350650.2, NM_001350651.2); c.517_526del, p.Gly173fs (NM_012222.3); and 1 more; short protein forms G159fs, G56fs, G148fs, G149fs, G163fs, G173fs, G176fs, G33fs.
Identifiers: ClinVar variation 371677 (VCV000371677.26), dbSNP rs1057517457, ClinGen allele CA16040738.

ClinVar aggregate classification (germline): Pathogenic/Likely pathogenic. Review status: criteria provided, multiple submitters, no conflicts (2 of 4 stars). 7 submissions from 7 submitters: Pathogenic (4); Likely pathogenic (2). 1 of the submissions does not count toward it. Last evaluated 2025-09-10.

Conditions:
Hereditary cancer-predisposing syndrome. Also called: Neoplastic Syndromes, Hereditary; Hereditary Cancer Syndrome; Hereditary neoplastic syndrome; Tumor predisposition. Identifiers: Orphanet 140162, MedGen C0027672, MeSH D009386, MONDO:0015356.
Familial adenomatous polyposis 2. Also called: ADENOMAS, MULTIPLE COLORECTAL, AUTOSOMAL RECESSIVE; MYH-associated polyposis; Adenomas, multiple colorectal; MUTYH Polyposis; COLORECTAL ADENOMATOUS POLYPOSIS, AUTOSOMAL RECESSIVE; FAP type 2. Identifiers: Orphanet 220460, Orphanet 247798, MedGen C3272841, MONDO:0012041, OMIM 608456.

Submissions (7):

Labcorp Genetics (formerly Invitae), Labcorp
Classification: Pathogenic for Familial adenomatous polyposis 2. Last evaluated: 2025-09-10. Review status: criteria provided, single submitter. Criteria: Invitae Variant Classification Sherloc (09022015). Collection method: clinical testing. Allele origin: germline.
Comment: This sequence change creates a premature translational stop signal (p.Gly176Thrfs*16) in the MUTYH gene. It is expected to result in an absent or disrupted protein product. Loss-of-function variants in MUTYH are known to be pathogenic (PMID: 18534194, 20663686). This variant is not present in population databases (gnomAD no frequency). This variant has not been reported in the literature in individuals affected with MUTYH-related conditions. ClinVar contains an entry for this variant (Variation ID: 371677). For these reasons, this variant has been classified as Pathogenic.

All of Us Research Program, National Institutes of Health
Classification: Pathogenic for Familial adenomatous polyposis 2. Last evaluated: 2024-10-01. Review status: criteria provided, single submitter. Criteria: ACMG Guidelines, 2015. Collection method: clinical testing. Allele origin: germline. Inheritance: Autosomal recessive inheritance. Observed: 2 variant alleles, 2 heterozygotes.
Comment: This variant deletes 10 nucleotides in exon 7 of the MUTYH gene, creating a frameshift and premature translation stop signal. This variant is expected to result in an absent or non-functional protein product. This variant has not been identified in the general population by the Genome Aggregation Database (gnomAD). Loss of MUTYH function is a known mechanism of disease. Based on the available evidence, this variant is classified as Pathogenic.

This study involves interpretation of variants in research participants for the purpose of population health screening. Participant phenotype was not available at the time of variant classification. Additional details can be found in publication PMID: 35346344, PMCID: PMC8962531

Ambry Genetics
Classification: Pathogenic for Hereditary cancer-predisposing syndrome. Last evaluated: 2024-08-01. Review status: criteria provided, single submitter. Criteria: Ambry Variant Classification Scheme 2023. Collection method: clinical testing. Allele origin: germline.
Comment: The c.526_535del10 pathogenic mutation, located in coding exon 7 of the MUTYH gene, results from a deletion of 10 nucleotides at nucleotide positions 526 to 535, causing a translational frameshift with a predicted alternate stop codon. This alteration was observed in the germline of an individual with a pancreatic neuroendocrine tumor (Scarpa A et al. Nature, 2017 Mar;543:65-71). This alteration is expected to result in loss of function by premature protein truncation or nonsense-mediated mRNA decay. As such, this alteration is interpreted as a disease-causing mutation.

Color Diagnostics, LLC DBA Color Health
Classification: Pathogenic for Hereditary cancer-predisposing syndrome. Last evaluated: 2024-07-10. Review status: criteria provided, single submitter. Criteria: ACMG Guidelines, 2015. Collection method: clinical testing. Allele origin: germline.
Comment: This variant deletes 10 nucleotides in exon 7 of the MUTYH gene, creating a frameshift and premature translation stop signal. This variant is expected to result in an absent or non-functional protein product. This variant has not been identified in the general population by the Genome Aggregation Database (gnomAD). Loss of MUTYH function is a known mechanism of disease. Based on the available evidence, this variant is classified as Pathogenic.

Baylor Genetics
Classification: Likely pathogenic for Familial adenomatous polyposis 2. Last evaluated: 2024-02-21. Review status: criteria provided, single submitter. Criteria: ACMG Guidelines, 2015. Collection method: clinical testing. Allele origin: unknown.

Quest Diagnostics Nichols Institute San Juan Capistrano
Classification: Likely pathogenic. Last evaluated: 2018-12-04. Review status: criteria provided, single submitter. Criteria: Quest Diagnostics criteria. Collection method: clinical testing. Allele origin: germline.
Comment: The variant results in a shift of the reading frame, and is therefore predicted to result in the loss of a functional protein. Not found in the total gnomAD dataset, and the data is high quality.

Counsyl
Classification: Likely pathogenic for Familial adenomatous polyposis 2. Last evaluated: 2016-02-16. Review status: no assertion criteria provided. Collection method: clinical testing. Allele origin: unknown. Not counted in ClinVar's aggregate classification.

Literature cited by the submitters: PubMed 18534194 (cited by Labcorp Genetics (formerly Invitae), Labcorp); PubMed 20663686 (cited by Labcorp Genetics (formerly Invitae), Labcorp); PubMed 28199314 (cited by Ambry Genetics); PubMed 28243543 (cited by Quest Diagnostics Nichols Institute San Juan Capistrano).